The following is an entry in ClinVar:

ClinVar aggregate classification (germline): Uncertain significance (1 of 4 stars; one submission).

Allele frequency attached by ClinVar (database versions not stated): gnomAD exomes 0.00001; ExAC 0.00002.

Submission:

Labcorp Genetics (formerly Invitae), Labcorp
Classification: Uncertain significance. Last evaluated: 2024-11-30. Review status: criteria provided, single submitter. Criteria: Invitae Variant Classification Sherloc (09022015). Collection method: clinical testing. Allele origin: germline.
Comment: This sequence change replaces threonine, which is neutral and polar, with methionine, which is neutral and non-polar, at codon 28 of the FBLN5 protein (p.Thr28Met). This variant is present in population databases (rs749304355, gnomAD 0.003%). This variant has not been reported in the literature in individuals affected with FBLN5-related conditions. ClinVar contains an entry for this variant (Variation ID: 1965936). An algorithm developed to predict the effect of missense changes on protein structure and function (PolyPhen-2) suggests that this variant is likely to be tolerated. In summary, the available evidence is currently insufficient to determine the role of this variant in disease. Therefore, it has been classified as a Variant of Uncertain Significance.

NM_006329.4(FBLN5):c.83C>T (p.Thr28Met)

Gene: FBLN5 (fibulin 5; minus strand). Cytogenetic location: 14q32.12.
Variant type: single nucleotide variant.
Coding change: c.83C>T on transcript NM_006329.4 (MANE Select); coding-DNA position 83, C replaced by T.
Protein change: p.Thr28Met; replaces threonine 28 with methionine.
Molecular consequence: missense variant. On other transcripts: 5 prime UTR variant (2).
Genome position (GRCh38, 1-based): chr14:91,940,606, G>A on the plus strand (C>T on the coding strand, the complement: FBLN5 is on the minus strand). VCF-style: chr14-91940606-G-A. GRCh37 (hg19) VCF-style: chr14-92406950-G-A.
Other names: c.83C>T, p.Thr28Met (NM_001384158.1, NM_001384160.1); c.134C>T, p.Thr45Met (NM_001384159.1); c.-187C>T (NM_001384161.1, NM_001384162.1); short protein forms T28M, T45M.
Identifiers: ClinVar variation 1965936 (VCV001965936.5), dbSNP rs749304355, ClinGen allele CA7312956.